The following is an entry in ClinVar:

ClinVar aggregate classification (germline): Uncertain significance (1 of 4 stars; one submission).

Submission:

Labcorp Genetics (formerly Invitae), Labcorp
Classification: Uncertain significance. Last evaluated: 2023-06-25. Review status: criteria provided, single submitter. Criteria: Invitae Variant Classification Sherloc (09022015). Collection method: clinical testing. Allele origin: germline.
Comment: In summary, the available evidence is currently insufficient to determine the role of this variant in disease. Therefore, it has been classified as a Variant of Uncertain Significance. Advanced modeling of protein sequence and biophysical properties (such as structural, functional, and spatial information, amino acid conservation, physicochemical variation, residue mobility, and thermodynamic stability) performed at Invitae indicates that this missense variant is not expected to disrupt KANK1 protein function. This variant has not been reported in the literature in individuals affected with KANK1-related conditions. This variant is not present in population databases (gnomAD no frequency). This sequence change replaces glutamic acid, which is acidic and polar, with aspartic acid, which is acidic and polar, at codon 693 of the KANK1 protein (p.Glu693Asp).

NM_015158.5(KANK1):c.2079G>T (p.Glu693Asp)

Gene: KANK1 (KN motif and ankyrin repeat domains 1; plus strand). Cytogenetic location: 9p24.3.
Variant type: single nucleotide variant.
Coding change: c.2079G>T on transcript NM_015158.5 (MANE Select); coding-DNA position 2079, G replaced by T.
Protein change: p.Glu693Asp; replaces glutamic acid 693 with aspartic acid.
Molecular consequence: missense variant. On other transcripts: non-coding transcript variant (1).
Genome position (GRCh38, 1-based): chr9:712,845, G>T. VCF-style: chr9-712845-G-T. GRCh37 (hg19) VCF-style: chr9-712845-G-T.
Other names: c.2079G>T, p.Glu693Asp (NM_001256876.3, NM_001256877.3, NM_001354331.2 and 2 more transcripts); c.1605G>T, p.Glu535Asp (NM_001354333.2, NM_001354335.2, NM_001354336.2 and 9 more transcripts); short protein forms E535D, E693D.
Identifiers: ClinVar variation 2729470 (VCV002729470.3), dbSNP rs2539758743, ClinGen allele CA372749552.